The following is an entry in ClinVar:

ClinVar aggregate classification (germline): Pathogenic (1 of 4 stars; one submission).

Submission:

GeneDx
Classification: Pathogenic. Last evaluated: 2024-06-17. Review status: criteria provided, single submitter. Criteria: GeneDx Variant Classification Process June 2021. Collection method: clinical testing. Allele origin: germline. Affected: yes.
Comment: Initiation codon variant in a gene for which loss of function is a known mechanism of disease; Not observed at significant frequency in large population cohorts (gnomAD); Has not been previously published as pathogenic or benign to our knowledge

NM_171998.4(RAB39B):c.2T>C (p.Met1Thr)

Genes: RAB39B (RAB39B, member RAS oncogene family; minus strand), LOC130068896 (ATAC-STARR-seq lymphoblastoid silent region 21124; plus strand). Cytogenetic location: Xq28.
Variant type: single nucleotide variant.
Coding change: c.2T>C on transcript NM_171998.4 (MANE Select); coding-DNA position 2, T replaced by C.
Protein change: p.Met1Thr; changes the start codon (methionine 1).
Molecular consequence: missense variant, initiator codon variant.
Genome position (GRCh38, 1-based): chrX:155,264,287, A>G on the plus strand (T>C on the coding strand, the complement: RAB39B is on the minus strand). VCF-style: chrX-155264287-A-G. GRCh37 (hg19) VCF-style: chrX-154493572-A-G.
Other names: short protein forms M1T.
Identifiers: ClinVar variation 489029 (VCV000489029.4), dbSNP rs1557314544, ClinGen allele CA414925837.